The following is an entry in ClinVar:

ClinVar aggregate classification (germline): Benign. Review status: criteria provided, multiple submitters, no conflicts (2 of 4 stars). 12 submissions from 11 submitters: Benign (9). 3 of the submissions do not count toward it. Last evaluated 2026-02-04.

Conditions:
Joubert syndrome 1 (JBTS1). Also called: Cerebellooculorenal syndrome 1; CEREBELLOPARENCHYMAL DISORDER IV. Identifiers: MedGen C4551568, MONDO:0008944, OMIM 213300.
Joubert syndrome. Also called: Familial aplasia of the vermis; JOUBERT-BOLTSHAUSER SYNDROME. Identifiers: Orphanet 475, MedGen C5979921, MONDO:0018772.
MORM syndrome (MORMS). Identifiers: Orphanet 75858, MedGen C1857802, MONDO:0012423, OMIM 610156.

Allele frequency attached by ClinVar (database versions not stated): 1000 Genomes Project 0.37839; 1000 Genomes Project 30x 0.38835; ExAC 0.41940; gnomAD exomes 0.41983 and 0.44171; gnomAD 0.42086 and 0.42574; TOPMed 0.43585; ESP Exome Variant Server 0.43601.

Submissions (12):

Labcorp Genetics (formerly Invitae), Labcorp
Classification: Benign for Joubert syndrome. Last evaluated: 2026-02-04. Review status: criteria provided, single submitter. Criteria: Invitae Variant Classification Sherloc (09022015). Collection method: clinical testing. Allele origin: germline.

Blueprint Genetics
Classification: Benign. Last evaluated: 2024-11-27. Review status: criteria provided, single submitter. Criteria: ACMG Guidelines, 2015. Collection method: clinical testing. Allele origin: germline.

Mayo Clinic Laboratories, Mayo Clinic
Classification: Benign. Last evaluated: 2022-03-09. Review status: criteria provided, single submitter. Criteria: ACMG Guidelines, 2015. Collection method: clinical testing. Allele origin: germline. Observed: 49 variant alleles.

Genome-Nilou Lab
Classification: Benign for Joubert syndrome 1. Last evaluated: 2021-08-19. Review status: criteria provided, single submitter. Criteria: ACMG Guidelines, 2015. Collection method: clinical testing. Allele origin: germline. Affected: no.

Genome-Nilou Lab
Classification: Benign for MORM syndrome. Last evaluated: 2021-08-19. Review status: criteria provided, single submitter. Criteria: ACMG Guidelines, 2015. Collection method: clinical testing. Allele origin: germline. Affected: no.

Illumina Laboratory Services, Illumina
Classification: Benign for Joubert syndrome 1. Last evaluated: 2018-01-13. Review status: criteria provided, single submitter. Criteria: ICSL Variant Classification Criteria 13 December 2019. Collection method: clinical testing. Allele origin: germline.
Comment: This variant was observed in the ICSL laboratory as part of a predisposition screen in an ostensibly healthy population. It had not been previously curated by ICSL or reported in the Human Gene Mutation Database (HGMD: prior to June 1st, 2018), and was therefore a candidate for classification through an automated scoring system. Utilizing variant allele frequency, disease prevalence and penetrance estimates, and inheritance mode, an automated score was calculated to assess if this variant is too frequent to cause the disease. Based on the score and internal cut-off values, a variant classified as benign is not then subjected to further curation. The score for this variant resulted in a classification of benign for this disease.

GeneDx
Classification: Benign. Last evaluated: 2015-03-03. Review status: criteria provided, single submitter. Criteria: GeneDx Variant Classification Process June 2021. Collection method: clinical testing. Allele origin: germline. Affected: yes.

Breakthrough Genomics
Classification: Benign. Review status: criteria provided, single submitter. Criteria: ACMG Guidelines, 2015. Collection method: not provided. Allele origin: germline. Inheritance: Autosomal recessive inheritance. Affected: yes.

PreventionGenetics, part of Exact Sciences
Classification: Benign. Review status: criteria provided, single submitter. Criteria: ACMG Guidelines, 2015. Collection method: clinical testing. Allele origin: germline.

Clinical Genetics DNA and cytogenetics Diagnostics Lab, Erasmus MC, Erasmus Medical Center
Classification: Benign. Review status: no assertion criteria provided. Collection method: clinical testing. Allele origin: germline. Affected: yes. Study: VKGL Data-share Consensus. Not counted in ClinVar's aggregate classification.

Diagnostic Laboratory, Department of Genetics, University Medical Center Groningen
Classification: Benign. Review status: no assertion criteria provided. Collection method: clinical testing. Allele origin: germline. Affected: yes. Study: VKGL Data-share Consensus. Not counted in ClinVar's aggregate classification.

Genetic Services Laboratory, University of Chicago
Classification: Likely benign for AllHighlyPenetrant. Review status: no assertion criteria provided. Collection method: clinical testing. Allele origin: germline. Inheritance: Autosomal recessive inheritance. Not counted in ClinVar's aggregate classification.
Comment: Likely benign based on allele frequency in 1000 Genomes Project or ESP global frequency and its presence in a patient with a rare or unrelated disease phenotype. NOT Sanger confirmed.

NM_019892.6(INPP5E):c.1248T>C (p.Thr416=)

Gene: INPP5E (inositol polyphosphate-5-phosphatase E; minus strand). Cytogenetic location: 9q34.3.
Variant type: single nucleotide variant.
Coding change: c.1248T>C on transcript NM_019892.6 (MANE Select); coding-DNA position 1248, T replaced by C.
Protein change: p.Thr416=; no amino-acid change (threonine 416 retained).
Molecular consequence: synonymous variant.
Genome position (GRCh38, 1-based): chr9:136,432,987, A>G on the plus strand (T>C on the coding strand, the complement: INPP5E is on the minus strand). VCF-style: chr9-136432987-A-G. GRCh37 (hg19) VCF-style: chr9-139327439-A-G.
Other names: p.Thr416=; c.1248T>C, p.Thr416= (NM_001318502.2).
Identifiers: ClinVar variation 129265 (VCV000129265.32), dbSNP rs10781542, ClinGen allele CA153154.
Genomic context (GRCh38, chr9:136,432,987, plus strand): 5'-ACCTGCGGTGCGGGCACCAAGCAACTTACAGGTGAAGTGGGACGTGATGAAGAGGAAGGA[A>G]GTGCCAAAAAAGGTGAAGCTGATGCCCAAGGCCCCCTTGGTCTTGATCTGAGACACGATG-3'
Protein context (NP_063945.2, residues 406-426): ALGISFTFFG[Thr416=]SFLFITSHFT